The following is an entry in ClinVar:

ClinVar aggregate classification (germline): Uncertain significance. Review status: criteria provided, multiple submitters, no conflicts (2 of 4 stars). 2 submissions from 2 submitters: Uncertain significance (2). Last evaluated 2025-01-31.

Conditions:
Cardiovascular phenotype. Identifiers: MedGen CN230736.

Allele frequency attached by ClinVar (database versions not stated): ExAC 0.00005.
gnomAD v4.1: 5 of 1,550,462 alleles (0.00032%); highest among the groups gnomAD compares: South Asian, 0.0012%; no homozygotes.

Submissions (2):

Ambry Genetics
Classification: Uncertain significance for Cardiovascular phenotype. Last evaluated: 2025-01-31. Review status: criteria provided, single submitter. Criteria: Ambry Variant Classification Scheme 2023. Collection method: clinical testing. Allele origin: germline.
Comment: The p.L1679F variant (also known as c.5035C>T), located in coding exon 2 of the ZNF469 gene, results from a C to T substitution at nucleotide position 5035. The leucine at codon 1679 is replaced by phenylalanine, an amino acid with highly similar properties. This amino acid position is conserved. In addition, this alteration is predicted to be tolerated by in silico analysis. Based on the available evidence, the clinical significance of this variant remains unclear.

Labcorp Genetics (formerly Invitae), Labcorp
Classification: Uncertain significance. Last evaluated: 2022-07-24. Review status: criteria provided, single submitter. Criteria: Invitae Variant Classification Sherloc (09022015). Collection method: clinical testing. Allele origin: germline.
Comment: This sequence change replaces leucine, which is neutral and non-polar, with phenylalanine, which is neutral and non-polar, at codon 1679 of the ZNF469 protein (p.Leu1679Phe). This variant is present in population databases (rs771039755, gnomAD 0.004%). This variant has not been reported in the literature in individuals affected with ZNF469-related conditions. Algorithms developed to predict the effect of missense changes on protein structure and function (SIFT, PolyPhen-2, Align-GVGD) all suggest that this variant is likely to be tolerated. In summary, the available evidence is currently insufficient to determine the role of this variant in disease. Therefore, it has been classified as a Variant of Uncertain Significance.

NM_001367624.2(ZNF469):c.5119C>T (p.Leu1707Phe)

Gene: ZNF469 (zinc finger protein 469; plus strand). Cytogenetic location: 16q24.2.
Variant type: single nucleotide variant.
Coding change: c.5119C>T on transcript NM_001367624.2 (MANE Select); coding-DNA position 5119, C replaced by T.
Protein change: p.Leu1707Phe; replaces leucine 1707 with phenylalanine.
Molecular consequence: missense variant.
Genome position (GRCh38, 1-based): chr16:88,432,589, C>T. VCF-style: chr16-88432589-C-T. GRCh37 (hg19) VCF-style: chr16-88498997-C-T.
Other names: NM_001127464.1:c.5035C>T; short protein forms L1707F.
Identifiers: ClinVar variation 1976550 (VCV001976550.3), dbSNP rs771039755, ClinGen allele CA8225044.
Genomic context (GRCh38, chr16:88,432,589, plus strand): 5'-CCCAGGGGAGCCAACTTCCATTTTCAGCCAGTGCAGAAAGCCGGAGCCTCCAAGACTGGA[C>T]TTTGCCAGGCAGAAGGAGACAGCAGGCCCCCCCAAGATGTCTGCCTGCCTGAGCCCAGCA-3'
Protein context (NP_001354553.1, residues 1697-1717): VQKAGASKTG[Leu1707Phe]CQAEGDSRPP